The following is an entry in ClinVar:

ClinVar aggregate classification (germline): Uncertain significance (1 of 4 stars; one submission).

Conditions:
Familial adenomatous polyposis 1 (FAP1). Also called: FAMILIAL ADENOMATOUS POLYPOSIS 1, ATTENUATED; POLYPOSIS, ADENOMATOUS INTESTINAL. Identifiers: MedGen C2713442, MONDO:0021056, OMIM 175100. Disease mechanism: loss of function.

Submission:

Labcorp Genetics (formerly Invitae), Labcorp
Classification: Uncertain significance for Familial adenomatous polyposis 1. Last evaluated: 2022-02-04. Review status: criteria provided, single submitter. Criteria: Invitae Variant Classification Sherloc (09022015). Collection method: clinical testing. Allele origin: germline.
Comment: In summary, the available evidence is currently insufficient to determine the role of this variant in disease. Therefore, it has been classified as a Variant of Uncertain Significance. Experimental studies and prediction algorithms are not available or were not evaluated, and the functional significance of this variant is currently unknown. This variant has not been reported in the literature in individuals affected with APC-related conditions. This variant results in a copy number gain of the genomic region encompassing exon(s) 3-16 of the APC gene. This region includes the termination codon of the gene. This copy number gain extends beyond the assayed region for this gene and therefore may encompass additional genes. As the precise location of this event is unknown, it may be in tandem or it may be located elsewhere in the genome.

NC_000005.9:g.(?_112102013)_(112179823_?)dup

Gene: APC (APC regulator of Wnt signaling pathway; plus strand). Cytogenetic location: 5q22.2.
Variant type: Duplication.
Identifiers: ClinVar variation 1509602 (VCV001509602.5).